The following is an entry in ClinVar:

ClinVar aggregate classification (germline): Uncertain significance (1 of 4 stars; one submission).

Conditions:
CTC1-related disorder. Also called: CTC1-related condition.

Submission:

3billion
Classification: Uncertain significance for CTC1-related disorder. Last evaluated: 2025-12-01. Review status: criteria provided, single submitter. Criteria: ACMG Guidelines, 2015. Collection method: clinical testing. Allele origin: germline. Affected: yes.
Comment: The variant is not observed in the gnomAD v4.1.0 dataset. Predicted Consequence/Location: Canonical splice site: predicted to alter splicing and result in a loss or disruption of normal protein function. Multiple pathogenic loss-of-function variants are reported downstream of the variant. In silico tools predict the variant to alter splicing and produce an abnormal transcript [SpliceAI: 0.71 (spliceogenicity >=0.2, non-spliceogenicity <0.1)]. Therefore, this variant is classified as VUS according to the recommendation of ACMG/AMP guideline.

NM_025099.6(CTC1):c.3011+1G>A

Gene: CTC1 (CST telomere replication complex component 1; minus strand). Cytogenetic location: 17p13.1.
Variant type: single nucleotide variant.
Coding change: c.3011+1G>A on transcript NM_025099.6 (MANE Select); the canonical splice donor site of the intron after coding-DNA position 3011, G replaced by A.
Molecular consequence: splice donor variant.
Genome position (GRCh38, 1-based): chr17:8,229,890, C>T on the plus strand (G>A on the coding strand, the complement: CTC1 is on the minus strand). VCF-style: chr17-8229890-C-T. GRCh37 (hg19) VCF-style: chr17-8133208-C-T.
Other names: c.3011+1G>A (NM_001411067.1).
Identifiers: ClinVar variation 4855090 (VCV004855090.1).